The following is an entry in ClinVar:

ClinVar aggregate classification (germline): Uncertain significance. Review status: criteria provided, multiple submitters, no conflicts (2 of 4 stars). 2 submissions from 2 submitters: Uncertain significance (2). Last evaluated 2024-02-24.

Conditions:
Hereditary cancer-predisposing syndrome. Also called: Hereditary Cancer Syndrome; Hereditary neoplastic syndrome; Neoplastic Syndromes, Hereditary; Tumor predisposition. Identifiers: Orphanet 140162, MedGen C0027672, MeSH D009386, MONDO:0015356.
Familial adenomatous polyposis 1 (FAP1). Also called: FAMILIAL ADENOMATOUS POLYPOSIS 1, ATTENUATED; POLYPOSIS, ADENOMATOUS INTESTINAL. Identifiers: MedGen C2713442, MONDO:0021056, OMIM 175100. Disease mechanism: loss of function.

Allele frequency attached by ClinVar (database versions not stated): gnomAD exomes below 0.00001.
gnomAD v4.1: 1 of 1,614,030 alleles (0.000062%); highest among the groups gnomAD compares: Non-Finnish European, 0.000085%; no homozygotes.

Submissions (2):

Labcorp Genetics (formerly Invitae), Labcorp
Classification: Uncertain significance for Familial adenomatous polyposis 1. Last evaluated: 2024-02-24. Review status: criteria provided, single submitter. Criteria: Invitae Variant Classification Sherloc (09022015). Collection method: clinical testing. Allele origin: germline.
Comment: This sequence change replaces asparagine, which is neutral and polar, with lysine, which is basic and polar, at codon 1548 of the APC protein (p.Asn1548Lys). This variant is not present in population databases (gnomAD no frequency). This variant has not been reported in the literature in individuals affected with APC-related conditions. ClinVar contains an entry for this variant (Variation ID: 1742135). Advanced modeling of protein sequence and biophysical properties (such as structural, functional, and spatial information, amino acid conservation, physicochemical variation, residue mobility, and thermodynamic stability) performed at Invitae indicates that this missense variant is not expected to disrupt APC protein function with a negative predictive value of 95%. In summary, the available evidence is currently insufficient to determine the role of this variant in disease. Therefore, it has been classified as a Variant of Uncertain Significance.

Ambry Genetics
Classification: Uncertain significance for Hereditary cancer-predisposing syndrome. Last evaluated: 2021-06-24. Review status: criteria provided, single submitter. Criteria: Ambry Variant Classification Scheme 2023. Collection method: clinical testing. Allele origin: germline.
Comment: The p.N1548K variant (also known as c.4644C>G), located in coding exon 15 of the APC gene, results from a C to G substitution at nucleotide position 4644. The asparagine at codon 1548 is replaced by lysine, an amino acid with similar properties. This amino acid position is not well conserved in available vertebrate species. In addition, in silico predictors for this gene do not accurately predict pathogenicity. Since supporting evidence is limited at this time, the clinical significance of this alteration remains unclear.

NM_000038.6(APC):c.4644C>G (p.Asn1548Lys)

Gene: APC (APC regulator of Wnt signaling pathway; plus strand). Cytogenetic location: 5q22.2.
Variant type: single nucleotide variant.
Coding change: c.4644C>G on transcript NM_000038.6 (MANE Select); coding-DNA position 4644, C replaced by G.
Protein change: p.Asn1548Lys; replaces asparagine 1548 with lysine.
Molecular consequence: missense variant.
Genome position (GRCh38, 1-based): chr5:112,840,238, C>G. VCF-style: chr5-112840238-C-G. GRCh37 (hg19) VCF-style: chr5-112175935-C-G.
Other names: c.4644C>G, p.Asn1548Lys (NM_001127510.3, NM_001354895.2, NM_001407450.1); c.4590C>G, p.Asn1530Lys (NM_001127511.3); c.4698C>G, p.Asn1566Lys (NM_001354896.2, NM_001407447.1, NM_001407448.1 and 1 more transcripts); c.4674C>G, p.Asn1558Lys (NM_001354897.2); c.4569C>G, p.Asn1523Lys (NM_001354898.2); c.4560C>G, p.Asn1520Lys (NM_001354899.2); c.4521C>G, p.Asn1507Lys (NM_001354900.2); c.4467C>G, p.Asn1489Lys (NM_001354901.2, NM_001407453.1); and 11 more; short protein forms N1419K, N1489K, N1507K, N1541K, N1576K, N1422K, N1447K, N1520K.
Identifiers: ClinVar variation 1742135 (VCV001742135.4), dbSNP rs2149919882, ClinGen allele CA16031508.